The following is an entry in ClinVar:

NM_021922.3(FANCE):c.17C>T (p.Ala6Val)

Genes: FANCE (FA complementation group E; plus strand), LOC129996245 (ATAC-STARR-seq lymphoblastoid silent region 17092; plus strand). Cytogenetic location: 6p21.31.
Variant type: single nucleotide variant.
Coding change: c.17C>T on transcript NM_021922.3 (MANE Select); coding-DNA position 17, C replaced by T.
Protein change: p.Ala6Val; replaces alanine 6 with valine.
Molecular consequence: missense variant.
Genome position (GRCh38, 1-based): chr6:35,452,562, C>T. VCF-style: chr6-35452562-C-T. GRCh37 (hg19) VCF-style: chr6-35420339-C-T.
Other names: short protein forms A6V.
Identifiers: ClinVar variation 958078 (VCV000958078.5), dbSNP rs1019486578, ClinGen allele CA137292217.

ClinVar aggregate classification (germline): Uncertain significance (1 of 4 stars; one submission).

Conditions:
Fanconi anemia complementation group E (FANCE). Also called: FANCE-Related Fanconi Anemia. Identifiers: Orphanet 84, MedGen C3160739, MONDO:0010953, OMIM 600901.

Allele frequency attached by ClinVar (database versions not stated): TOPMed 0.00003; gnomAD 0.00005 and 0.00006; gnomAD exomes 0.00006.
gnomAD v4.1: 76 of 1,329,552 alleles (0.0057%); highest among the groups gnomAD compares: Non-Finnish European, 0.007%; no homozygotes.

Submission:

Labcorp Genetics (formerly Invitae), Labcorp
Classification: Uncertain significance for Fanconi anemia complementation group E. Last evaluated: 2022-02-09. Review status: criteria provided, single submitter. Criteria: Invitae Variant Classification Sherloc (09022015). Collection method: clinical testing. Allele origin: germline.
Comment: This sequence change replaces alanine, which is neutral and non-polar, with valine, which is neutral and non-polar, at codon 6 of the FANCE protein (p.Ala6Val). This variant is present in population databases (no rsID available, gnomAD 0.003%). This variant has not been reported in the literature in individuals affected with FANCE-related conditions. ClinVar contains an entry for this variant (Variation ID: 958078). Algorithms developed to predict the effect of missense changes on protein structure and function output the following: SIFT: "Tolerated"; PolyPhen-2: "Benign"; Align-GVGD: "Class C0". The valine amino acid residue is found in multiple mammalian species, which suggests that this missense change does not adversely affect protein function. In summary, the available evidence is currently insufficient to determine the role of this variant in disease. Therefore, it has been classified as a Variant of Uncertain Significance.